The following is an entry in ClinVar:

ClinVar aggregate classification (somatic clinical impact): Tier II - Potential (1 of 4 stars; one submission).

Conditions:
Diffuse pediatric-type high-grade glioma, H3-wildtype and IDH-wildtype. Identifiers: MedGen C5669918, MONDO:0858939.

Submission:

Institute for Genomic Medicine (IGM) Clinical Laboratory, Nationwide Children's Hospital
Classification: Tier II - Potential for Diffuse pediatric-type high-grade glioma, H3-wildtype and IDH-wildtype. Assertion type: diagnostic. Clinical significance: supports diagnosis. Last evaluated: 2023-08-01. Review status: criteria provided, single submitter. Criteria: AMP/ASCO/CAP Guidelines, 2017. Collection method: clinical testing. Allele origin: somatic. Affected: yes.
Comment: Variant has Tier II (potential) clinical significance as a diagnostic inclusion criterion in diffuse pediatric-type high-grade glioma, H3-wildtype and IDH-wildtype, based on the following evidence: 1) Appears in one or more well-established professional guidelines (e.g., World Health Organization [WHO]; National Comprehensive Cancer Network [NCCN]) as providing diagnostic, prognostic, or therapeutic information. 2) Assists in diagnosis alone or along with other biomarkers based on small studies or few case reports (Evidence Level D).

NM_006206.6(PDGFRA):c.3137_3139delinsT (p.Glu1046fs)

Gene: PDGFRA (platelet derived growth factor receptor alpha; plus strand). Cytogenetic location: 4q12.
Variant type: Indel.
Coding change: c.3137_3139delinsT on transcript NM_006206.6 (MANE Select); coding-DNA positions 3137 to 3139, AAG replaced by T.
Protein change: p.Glu1046fs; shifts the reading frame from glutamic acid 1046.
Molecular consequence: frameshift variant.
Genome position (GRCh38, 1-based): chr4:54,295,139-54,295,141, AAG replaced by T. VCF-style: chr4-54295139-AAG-T. GRCh37 (hg19) VCF-style: chr4-55161306-AAG-T.
Other names: c.3212_3214delinsT, p.Glu1071fs (NM_001347828.2); c.3137_3139delinsT, p.Glu1046fs (NM_001347829.2); c.3176_3178delinsT, p.Glu1059fs (NM_001347830.2); short protein forms E1046fs, E1059fs, E1071fs.
Identifiers: ClinVar variation 4530330 (VCV004530330.1).
Genomic context (GRCh38, chr4:54,295,139, plus strand): 5'-GTTCTGTGCAGGAGTTGTAATATTTGCTCTTCTCTCCCTCCTCCAGCTCGCAGACCTCTG[AAG>T]AGAGTGCCATTGAGACGGGTTCCAGCAGTTCCACCTTCATCAAGAGAGAGGACGAGACCA-3'